The following is an entry in ClinVar:

ClinVar aggregate classification (germline): Likely pathogenic (1 of 4 stars; one submission).

Conditions:
Dilated cardiomyopathy 1G (CMD1G). Identifiers: Orphanet 154, MedGen C1858763, MONDO:0011400, OMIM 604145.
Autosomal recessive limb-girdle muscular dystrophy type 2J (LGMDR10). Also called: Limb-girdle muscular dystrophy, type 2J; MUSCULAR DYSTROPHY, LIMB-GIRDLE, AUTOSOMAL RECESSIVE 10. Identifiers: Orphanet 140922, MedGen C1837342, MONDO:0012127, OMIM 608807.

Submission:

Labcorp Genetics (formerly Invitae), Labcorp
Classification: Likely pathogenic for Dilated cardiomyopathy 1G; Autosomal recessive limb-girdle muscular dystrophy type 2J. Last evaluated: 2024-12-22. Review status: criteria provided, single submitter. Criteria: Invitae Variant Classification Sherloc (09022015). Collection method: clinical testing. Allele origin: germline.
Comment: This sequence change creates a premature translational stop signal (p.Tyr33724Thrfs*16) in the TTN gene. While this is not anticipated to result in nonsense mediated decay, it is expected to create a truncated TTN protein. This variant is not present in population databases (gnomAD no frequency). This variant has not been reported in the literature in individuals affected with TTN-related conditions. This variant is located in the M band of TTN (PMID: 25589632). Truncating variants in this region have been previously reported in individuals affected with autosomal dominant or autosomal recessive myopathy and muscular dystrophy (PMID: 18948003, 23975875, 24395473). Truncating variants in this region have also been identified in individuals affected with autosomal dominant dilated cardiomyopathy and/or cardio-related conditions (PMID: 27869827, 32964742, internal data). In summary, the currently available evidence indicates that the variant is pathogenic, but additional data are needed to prove that conclusively. Therefore, this variant has been classified as Likely Pathogenic.

Literature cited by the submitters: PubMed 25589632; PubMed 18948003; PubMed 23975875; PubMed 24395473; PubMed 27869827; PubMed 32964742.

NM_001267550.2(TTN):c.101170del (p.Tyr33724fs)

Genes: TTN (titin; minus strand), TTN-AS1 (TTN antisense RNA 1; plus strand). Cytogenetic location: 2q31.2.
Variant type: Deletion.
Coding change: c.101170del on transcript NM_001267550.2 (MANE Select); coding-DNA position 101170, one base deleted (T; older notation c.101170delT).
Protein change: p.Tyr33724fs; shifts the reading frame from tyrosine 33724.
Molecular consequence: frameshift variant.
Genome position (GRCh38, 1-based): chr2:178,535,445, A deleted on the plus strand (T on the coding strand, the reverse complement: TTN is on the minus strand). VCF-style (leftmost placement, unchanged base first): chr2-178535444-TA-T. GRCh37 (hg19) VCF-style: chr2-179400171-TA-T.
Other names: c.96247del, p.Tyr32083fs (NM_001256850.1); c.73975del, p.Tyr24659fs (NM_003319.4); c.93466del, p.Tyr31156fs (NM_133378.4); c.74350del, p.Tyr24784fs (NM_133432.3); c.74551del, p.Tyr24851fs (NM_133437.4); short protein forms Y24659fs, Y24784fs, Y24851fs, Y31156fs, Y32083fs, Y33724fs.
Identifiers: ClinVar variation 3760130 (VCV003760130.2).